The following is an entry in ClinVar:

ClinVar aggregate classification (germline): Uncertain significance. Review status: criteria provided, multiple submitters, no conflicts (2 of 4 stars). 2 submissions from 2 submitters: Uncertain significance (2). Last evaluated 2023-05-31.

Conditions:
Hereditary cancer-predisposing syndrome. Also called: Hereditary neoplastic syndrome; Neoplastic Syndromes, Hereditary; Hereditary Cancer Syndrome; Tumor predisposition. Identifiers: Orphanet 140162, MedGen C0027672, MeSH D009386, MONDO:0015356.

Submissions (2):

Ambry Genetics
Classification: Uncertain significance for Hereditary cancer-predisposing syndrome. Last evaluated: 2023-05-31. Review status: criteria provided, single submitter. Criteria: Ambry Variant Classification Scheme 2023. Collection method: clinical testing. Allele origin: germline.
Comment: The p.H624Y variant (also known as c.1870C>T), located in coding exon 17 of the POLE gene, results from a C to T substitution at nucleotide position 1870. The histidine at codon 624 is replaced by tyrosine, an amino acid with similar properties. This amino acid position is conserved. In addition, this alteration is predicted to be deleterious by in silico analysis. Since supporting evidence is limited at this time, the clinical significance of this alteration remains unclear.

Labcorp Genetics (formerly Invitae), Labcorp
Classification: Uncertain significance. Last evaluated: 2022-08-09. Review status: criteria provided, single submitter. Criteria: Invitae Variant Classification Sherloc (09022015). Collection method: clinical testing. Allele origin: germline.
Comment: In summary, the available evidence is currently insufficient to determine the role of this variant in disease. Therefore, it has been classified as a Variant of Uncertain Significance. Algorithms developed to predict the effect of missense changes on protein structure and function (SIFT, PolyPhen-2, Align-GVGD) all suggest that this variant is likely to be disruptive. ClinVar contains an entry for this variant (Variation ID: 1486589). This variant has not been reported in the literature in individuals affected with POLE-related conditions. This variant is not present in population databases (gnomAD no frequency). This sequence change replaces histidine, which is basic and polar, with tyrosine, which is neutral and polar, at codon 624 of the POLE protein (p.His624Tyr).

NM_006231.4(POLE):c.1870C>T (p.His624Tyr)

Gene: POLE (DNA polymerase epsilon, catalytic subunit; minus strand). Cytogenetic location: 12q24.33.
Variant type: single nucleotide variant.
Coding change: c.1870C>T on transcript NM_006231.4 (MANE Select); coding-DNA position 1870, C replaced by T.
Protein change: p.His624Tyr; replaces histidine 624 with tyrosine.
Molecular consequence: missense variant.
Genome position (GRCh38, 1-based): chr12:132,668,864, G>A on the plus strand (C>T on the coding strand, the complement: POLE is on the minus strand). VCF-style: chr12-132668864-G-A. GRCh37 (hg19) VCF-style: chr12-133245450-G-A.
Other names: c.1870C>T (NM_006231.2); short protein forms H624Y.
Identifiers: ClinVar variation 1486589 (VCV001486589.8), dbSNP rs2135979322, ClinGen allele CA387355415.
Genomic context (GRCh38, chr12:132,668,864, plus strand): 5'-GTCTCACCTGCAGGCGGTTGGTCAGGATGATGTTGGGGTACATGGCCCCCACGTCCAGGT[G>A]GTAGATGAGTGGACACTCGATGCGGCTGGGAACGTCCTTCAGGGAGGCAAGCTTGCTCTT-3'
Protein context (NP_006222.2, residues 614-634): PSRIECPLIY[His624Tyr]LDVGAMYPNI